The following is an entry in ClinVar:

NM_152703.5(SAMD9L):c.3154G>T (p.Asp1052Tyr)

Gene: SAMD9L (sterile alpha motif domain containing 9 like; minus strand). Cytogenetic location: 7q21.2.
Variant type: single nucleotide variant.
Coding change: c.3154G>T on transcript NM_152703.5 (MANE Select); coding-DNA position 3154, G replaced by T.
Protein change: p.Asp1052Tyr; replaces aspartic acid 1052 with tyrosine.
Molecular consequence: missense variant.
Genome position (GRCh38, 1-based): chr7:93,132,818, C>A on the plus strand (G>T on the coding strand, the complement: SAMD9L is on the minus strand). VCF-style: chr7-93132818-C-A. GRCh37 (hg19) VCF-style: chr7-92762131-C-A.
Other names: c.3154G>T, p.Asp1052Tyr (NM_001303496.3, NM_001303497.3, NM_001303498.3 and 5 more transcripts); short protein forms D1052Y.
Identifiers: ClinVar variation 4826184 (VCV004826184.1).

ClinVar aggregate classification (germline): Uncertain significance (1 of 4 stars; one submission).

Conditions:
Inborn genetic diseases. Identifiers: MedGen C0950123, MeSH D030342.

Submission:

Ambry Genetics
Classification: Uncertain significance for Inborn genetic diseases. Last evaluated: 2026-03-06. Review status: criteria provided, single submitter. Criteria: Ambry Variant Classification Scheme 2023. Collection method: clinical testing. Allele origin: germline.
Comment: The p.D1052Y variant (also known as c.3154G>T), located in coding exon 1 of the SAMD9L gene, results from a G to T substitution at nucleotide position 3154. The aspartic acid at codon 1052 is replaced by tyrosine, an amino acid with highly dissimilar properties. This amino acid position is conserved. In addition, this alteration is predicted to be tolerated by in silico analysis. Based on the available evidence, the clinical significance of this variant remains unclear.